The following is an entry in ClinVar:

NC_000012.11:g.(?_4479509)_(4488748_?)del

Gene: FGF23 (fibroblast growth factor 23; minus strand). Cytogenetic location: 12p13.32.
Variant type: Deletion.
Identifiers: ClinVar variation 3244432 (VCV003244432.1).

ClinVar aggregate classification (germline): Uncertain significance (1 of 4 stars; one submission).

Submission:

Labcorp Genetics (formerly Invitae), Labcorp
Classification: Uncertain significance. Last evaluated: 2023-03-20. Review status: criteria provided, single submitter. Criteria: Invitae Variant Classification Sherloc (09022015). Collection method: clinical testing. Allele origin: unknown.
Comment: In summary, the available evidence is currently insufficient to determine the role of this variant in disease. Therefore, it has been classified as a Variant of Uncertain Significance. This variant has not been reported in the literature in individuals affected with FGF23-related conditions. A gross deletion of the genomic region encompassing the full coding sequence of the FGF23 gene has been identified. The current clinical and genetic evidence is not sufficient to establish whether loss-of-function variants in FGF23 cause disease. The boundaries of this event are unknown as they extend beyond the assayed region for this gene and therefore may encompass additional genes.